The following is an entry in ClinVar:

ClinVar aggregate classification (germline): Uncertain significance (1 of 4 stars; one submission).

Submission:

Labcorp Genetics (formerly Invitae), Labcorp
Classification: Uncertain significance. Last evaluated: 2025-04-23. Review status: criteria provided, single submitter. Criteria: Invitae Variant Classification Sherloc (09022015). Collection method: clinical testing. Allele origin: germline.
Comment: This sequence change replaces methionine, which is neutral and non-polar, with valine, which is neutral and non-polar, at codon 476 of the TNFRSF11A protein (p.Met476Val). This variant is not present in population databases (gnomAD no frequency). This variant has not been reported in the literature in individuals affected with TNFRSF11A-related conditions. An algorithm developed to predict the effect of missense changes on protein structure and function outputs the following: PolyPhen-2: "Benign". The valine amino acid residue is found in multiple mammalian species, which suggests that this missense change does not adversely affect protein function. In summary, the available evidence is currently insufficient to determine the role of this variant in disease. Therefore, it has been classified as a Variant of Uncertain Significance.

NM_003839.4(TNFRSF11A):c.1426A>G (p.Met476Val)

Gene: TNFRSF11A (TNF receptor superfamily member 11a; plus strand). Cytogenetic location: 18q21.33.
Variant type: single nucleotide variant.
Coding change: c.1426A>G on transcript NM_003839.4 (MANE Select); coding-DNA position 1426, A replaced by G.
Protein change: p.Met476Val; replaces methionine 476 with valine.
Molecular consequence: missense variant. On other transcripts: intron variant (3).
Genome position (GRCh38, 1-based): chr18:62,369,343, A>G. VCF-style: chr18-62369343-A-G. GRCh37 (hg19) VCF-style: chr18-60036576-A-G.
Other names: c.1384A>G, p.Met462Val (NM_001278268.2); c.783+2583A>G (NM_001270949.2); c.730+7550A>G (NM_001270950.2); c.616+9294A>G (NM_001270951.2); short protein forms M462V, M476V.
Identifiers: ClinVar variation 4710428 (VCV004710428.1).